The following is an entry in ClinVar:

NM_003060.4(SLC22A5):c.1088T>C (p.Leu363Pro)

Gene: SLC22A5 (solute carrier family 22 member 5; plus strand). Cytogenetic location: 5q31.1.
Variant type: single nucleotide variant.
Coding change: c.1088T>C on transcript NM_003060.4 (MANE Select); coding-DNA position 1088, T replaced by C.
Protein change: p.Leu363Pro; replaces leucine 363 with proline.
Molecular consequence: missense variant.
Genome position (GRCh38, 1-based): chr5:132,390,725, T>C. VCF-style: chr5-132390725-T-C. GRCh37 (hg19) VCF-style: chr5-131726417-T-C.
Other names: c.1160T>C, p.Leu387Pro (NM_001308122.2); short protein forms L387P.
Identifiers: ClinVar variation 25408 (VCV000025408.12), dbSNP rs386134214, ClinGen allele CA342668.

ClinVar aggregate classification (germline): Conflicting classifications of pathogenicity. Review status: criteria provided, conflicting classifications (1 of 4 stars). 2 submissions from 2 submitters: Likely pathogenic (1); Uncertain significance (1). Last evaluated 2023-02-11.

Conditions:
Renal carnitine transport defect (CDSP). Also called: Systemic primary carnitine deficiency; Carnitine transporter deficiency; Primary carnitine deficiency; Carnitine Deficiency, Systemic; Systemic primary carnitine deficiency disease; CARNITINE DEFICIENCY, SYSTEMIC, DUE TO DEFECT IN RENAL REABSORPTION OF CARNITINE. Identifiers: Orphanet 158, MedGen C0342788, MONDO:0008919, OMIM 212140.

Allele frequency attached by ClinVar (database versions not stated): gnomAD exomes below 0.00001.

Submissions (2):

Labcorp Genetics (formerly Invitae), Labcorp
Classification: Likely pathogenic for Renal carnitine transport defect. Last evaluated: 2023-02-11. Review status: criteria provided, single submitter. Criteria: Invitae Variant Classification Sherloc (09022015). Collection method: clinical testing. Allele origin: germline.
Comment: This missense change has been observed in individual(s) with primary carnitine deficiency (PMID: 28841266). In summary, the currently available evidence indicates that the variant is pathogenic, but additional data are needed to prove that conclusively. Therefore, this variant has been classified as Likely Pathogenic. Advanced modeling of protein sequence and biophysical properties (such as structural, functional, and spatial information, amino acid conservation, physicochemical variation, residue mobility, and thermodynamic stability) performed at Invitae indicates that this missense variant is expected to disrupt SLC22A5 protein function. ClinVar contains an entry for this variant (Variation ID: 25408). This variant is present in population databases (rs386134214, gnomAD 0.0009%). This sequence change replaces leucine, which is neutral and non-polar, with proline, which is neutral and non-polar, at codon 363 of the SLC22A5 protein (p.Leu363Pro).

ARUP Laboratories, Molecular Genetics and Genomics, ARUP Laboratories
Classification: Uncertain significance. Last evaluated: 2016-12-09. Review status: criteria provided, single submitter. Criteria: ARUP Molecular Germline Variant Investigation Process. Collection method: clinical testing. Allele origin: germline.

Literature cited by the submitters: PubMed 28841266 (cited by Labcorp Genetics (formerly Invitae), Labcorp).